The following is an entry in ClinVar:

ClinVar aggregate classification (germline): Pathogenic (3 of 4 stars; one submission).

Conditions:
Breast-ovarian cancer, familial, susceptibility to, 1 (BROVCA1). Also called: BRCA1 Hereditary Breast and Ovarian Cancer; OVARIAN CANCER, SUSCEPTIBILITY TO. Identifiers: Orphanet 145, MedGen C2676676, MONDO:0011450, OMIM 604370. Disease mechanism: loss of function.

Submission:

Evidence-based Network for the Interpretation of Germline Mutant Alleles (ENIGMA)
Classification: Pathogenic for Breast-ovarian cancer, familial, susceptibility to, 1. Last evaluated: 2017-12-15. Review status: reviewed by expert panel. Criteria: ENIGMA BRCA1/2 Classification Criteria (2017-06-29). Collection method: curation. Allele origin: germline. Study: ENIGMA.
Comment: Variant allele predicted to encode a truncated non-functional protein.

NM_007294.4(BRCA1):c.376_377insT (p.Gln126fs)

Gene: BRCA1 (BRCA1 DNA repair associated; minus strand). Cytogenetic location: 17q21.31.
Variant type: Insertion.
Coding change: c.376_377insT on transcript NM_007294.4 (MANE Select); coding-DNA positions 376 to 377, T inserted.
Protein change: p.Gln126fs; shifts the reading frame from glutamine 126.
Molecular consequence: frameshift variant. On other transcripts: non-coding transcript variant (1).
Genome position: GRCh38 VCF-style: chr17-43104186-T-TA. GRCh37 (hg19) VCF-style: chr17-41256203-T-TA.
Other names: c.166_167insT, p.Gln56Leufs (NM_001407571.1, NM_001407853.1, NM_001407879.1 and 58 more transcripts); c.376_377insT, p.Gln126Leufs (NM_001407581.1, NM_001407582.1, NM_001407583.1 and 163 more transcripts); c.367_368insT, p.Gln123Leufs (NM_001407646.1, NM_001407647.1, NM_001408408.1); c.298_299insT, p.Gln100Leufs (NM_001407653.1, NM_001407654.1, NM_001407655.1 and 21 more transcripts); c.235_236insT, p.Gln79Leufs (NM_001407692.1, NM_001407694.1, NM_001407695.1 and 98 more transcripts); c.-6_-5insT (NM_001407959.1, NM_001407960.1, NM_001407962.1 and 4 more transcripts); c.244_245insT, p.Gln82Leufs (NM_001408451.1); c.235_236insT, p.Gln79fs (NM_007297.4); and 1 more; short protein forms Q79fs, Q126fs.
Identifiers: ClinVar variation 548289 (VCV000548289.2), dbSNP rs1555596382, ClinGen allele CA658824563.